The following is an entry in ClinVar:

NM_004006.3(DMD):c.2801C>A (p.Thr934Lys)

Gene: DMD (dystrophin; minus strand). Cytogenetic location: Xp21.1.
Variant type: single nucleotide variant.
Coding change: c.2801C>A on transcript NM_004006.3 (MANE Select); coding-DNA position 2801, C replaced by A.
Protein change: p.Thr934Lys; replaces threonine 934 with lysine.
Molecular consequence: missense variant.
Genome position (GRCh38, 1-based): chrX:32,484,921, G>T on the plus strand (C>A on the coding strand, the complement: DMD is on the minus strand). VCF-style: chrX-32484921-G-T. GRCh37 (hg19) VCF-style: chrX-32503038-G-T.
Other names: c.2777C>A, p.Thr926Lys (NM_000109.4); c.2789C>A, p.Thr930Lys (NM_004009.3); c.2432C>A, p.Thr811Lys (NM_004010.3); short protein forms T811K, T926K, T930K, T934K.
Identifiers: ClinVar variation 1023325 (VCV001023325.7), dbSNP rs2042264322, ClinGen allele CA412670637.

ClinVar aggregate classification (germline): Uncertain significance (1 of 4 stars; one submission).

Conditions:
Duchenne muscular dystrophy (DMD). Also called: MUSCULAR DYSTROPHY, PSEUDOHYPERTROPHIC PROGRESSIVE, DUCHENNE TYPE; Duchenne Muscular Dystrophy (DMD). Identifiers: Orphanet 98896, MedGen C0013264, MONDO:0010679, OMIM 310200.

Submission:

Labcorp Genetics (formerly Invitae), Labcorp
Classification: Uncertain significance for Duchenne muscular dystrophy. Last evaluated: 2024-07-29. Review status: criteria provided, single submitter. Criteria: Invitae Variant Classification Sherloc (09022015). Collection method: clinical testing. Allele origin: germline.
Comment: This sequence change replaces threonine, which is neutral and polar, with lysine, which is basic and polar, at codon 934 of the DMD protein (p.Thr934Lys). This variant is not present in population databases (gnomAD no frequency). This variant has not been reported in the literature in individuals affected with DMD-related conditions. ClinVar contains an entry for this variant (Variation ID: 1023325). An algorithm developed to predict the effect of missense changes on protein structure and function outputs the following: PolyPhen-2: "Benign". The lysine amino acid residue is found in multiple mammalian species, which suggests that this missense change does not adversely affect protein function. In summary, the available evidence is currently insufficient to determine the role of this variant in disease. Therefore, it has been classified as a Variant of Uncertain Significance.